The following is an entry in ClinVar:

NM_000038.6(APC):c.1147G>A (p.Ala383Thr)

Gene: APC (APC regulator of Wnt signaling pathway; plus strand). Cytogenetic location: 5q22.2.
Variant type: single nucleotide variant.
Coding change: c.1147G>A on transcript NM_000038.6 (MANE Select); coding-DNA position 1147, G replaced by A.
Protein change: p.Ala383Thr; replaces alanine 383 with threonine.
Molecular consequence: missense variant. On other transcripts: non-coding transcript variant (2), intron variant (15).
Genome position (GRCh38, 1-based): chr5:112,819,179, G>A. VCF-style: chr5-112819179-G-A. GRCh37 (hg19) VCF-style: chr5-112154876-G-A.
Other names: c.1147G>A, p.Ala383Thr (NM_001127510.3, NM_001354895.2, NM_001354896.2 and 4 more transcripts); c.1093G>A, p.Ala365Thr (NM_001127511.3); c.1177G>A, p.Ala393Thr (NM_001354897.2, NM_001407446.1); c.1072G>A, p.Ala358Thr (NM_001354898.2, NM_001407451.1); c.1063G>A, p.Ala355Thr (NM_001354899.2, NM_001407452.1); c.970G>A, p.Ala324Thr (NM_001354900.2, NM_001354901.2, NM_001407453.1); c.298G>A, p.Ala100Thr (NM_001354906.2, NM_001407470.1); c.85-90G>A (NM_001407472.1, NM_001407471.1); and 5 more; short protein forms A324T, A358T, A365T, A383T, A393T, A100T, A355T.
Identifiers: ClinVar variation 4768713 (VCV004768713.1).

ClinVar aggregate classification (germline): Uncertain significance (1 of 4 stars; one submission).

Conditions:
Familial adenomatous polyposis 1 (FAP1). Also called: FAMILIAL ADENOMATOUS POLYPOSIS 1, ATTENUATED; POLYPOSIS, ADENOMATOUS INTESTINAL. Identifiers: MedGen C2713442, MONDO:0021056, OMIM 175100. Disease mechanism: loss of function.

Submission:

Labcorp Genetics (formerly Invitae), Labcorp
Classification: Uncertain significance for Familial adenomatous polyposis 1. Last evaluated: 2025-08-28. Review status: criteria provided, single submitter. Criteria: Invitae Variant Classification Sherloc (09022015). Collection method: clinical testing. Allele origin: germline.
Comment: This sequence change replaces alanine, which is neutral and non-polar, with threonine, which is neutral and polar, at codon 383 of the APC protein (p.Ala383Thr). This variant is not present in population databases (gnomAD no frequency). This variant has not been reported in the literature in individuals affected with APC-related conditions. Invitae Evidence Modeling of protein sequence and biophysical properties (such as structural, functional, and spatial information, amino acid conservation, physicochemical variation, residue mobility, and thermodynamic stability) indicates that this missense variant is not expected to disrupt APC protein function with a negative predictive value of 95%. In summary, the available evidence is currently insufficient to determine the role of this variant in disease. Therefore, it has been classified as a Variant of Uncertain Significance.